The following is an entry in ClinVar:

NM_003458.4(BSN):c.9949A>C (p.Thr3317Pro)

Gene: BSN (bassoon presynaptic cytomatrix protein; plus strand). Cytogenetic location: 3p21.31.
Variant type: single nucleotide variant.
Coding change: c.9949A>C on transcript NM_003458.4 (MANE Select); coding-DNA position 9949, A replaced by C.
Protein change: p.Thr3317Pro; replaces threonine 3317 with proline.
Molecular consequence: missense variant.
Genome position (GRCh38, 1-based): chr3:49,661,794, A>C. VCF-style: chr3-49661794-A-C. GRCh37 (hg19) VCF-style: chr3-49699227-A-C.
Other names: short protein forms T3317P.
Identifiers: ClinVar variation 5008893 (VCV005008893.1).

ClinVar aggregate classification (germline): Uncertain significance (1 of 4 stars; one submission).

Submission:

GeneDx
Classification: Uncertain significance. Last evaluated: 2026-03-10. Review status: criteria provided, single submitter. Criteria: GeneDx Variant Classification Process June 2021. Collection method: clinical testing. Allele origin: germline.
Comment: Not observed at significant frequency in large population cohorts (gnomAD); In silico analysis suggests that this missense variant does not alter protein structure/function; Has not been previously published as pathogenic or benign to our knowledge